The following is an entry in ClinVar:

ClinVar aggregate classification (germline): Pathogenic (1 of 4 stars; one submission).

Conditions:
LAMA2-related muscular dystrophy (LAMA2-RD). Also called: Laminin alpha 2-related dystrophy. Identifiers: MedGen C5679788, MONDO:0100228.

Submission:

Myriad Genetics, Inc.
Classification: Pathogenic for LAMA2-related muscular dystrophy. Last evaluated: 2024-03-28. Review status: criteria provided, single submitter. Criteria: Myriad Autosomal Dominant, Autosomal Recessive and X-Linked Classification Criteria (2023). Collection method: clinical testing. Allele origin: unknown.
Comment: NM_000426.3(LAMA2):c.6059T>A(L2020*) is expected to be pathogenic in the context of muscular dystrophy, LAMA2-related. This variant is predicted to lead to an abnormal or absent protein product due to the creation of a premature termination codon in LAMA2, a gene where loss-of-function variants are known to be pathogenic. Please note: this variant was assessed in the context of healthy population screening.

NM_000426.4(LAMA2):c.6059T>A (p.Leu2020Ter)

Gene: LAMA2 (laminin subunit alpha 2; plus strand). Cytogenetic location: 6q22.33.
Variant type: single nucleotide variant.
Coding change: c.6059T>A on transcript NM_000426.4 (MANE Select); coding-DNA position 6059, T replaced by A.
Protein change: p.Leu2020Ter; replaces leucine 2020 with a stop codon.
Molecular consequence: nonsense.
Genome position (GRCh38, 1-based): chr6:129,438,736, T>A. VCF-style: chr6-129438736-T-A. GRCh37 (hg19) VCF-style: chr6-129759881-T-A.
Other names: c.6059T>A, p.Leu2020Ter (NM_001079823.2); short protein forms L2020*.
Identifiers: ClinVar variation 5012870 (VCV005012870.1).